The following is an entry in ClinVar:

ClinVar aggregate classification (germline): Uncertain significance (1 of 4 stars; one submission).

Conditions:
Joubert syndrome 23 (JBTS23). Identifiers: Orphanet 475, MedGen C4084822, MONDO:0014664, OMIM 616490.
Short-rib thoracic dysplasia 14 with polydactyly (SRTD14). Identifiers: Orphanet 397715, MedGen C4225286, MONDO:0014688, OMIM 616546.

gnomAD v4.1: 1 of 1,608,344 alleles (0.000062%); highest among the groups gnomAD compares: Non-Finnish European, 0.000085%; no homozygotes.

Submission:

Labcorp Genetics (formerly Invitae), Labcorp
Classification: Uncertain significance for Joubert syndrome 23; Short-rib thoracic dysplasia 14 with polydactyly. Last evaluated: 2022-03-09. Review status: criteria provided, single submitter. Criteria: Invitae Variant Classification Sherloc (09022015). Collection method: clinical testing. Allele origin: germline.
Comment: This sequence change replaces alanine, which is neutral and non-polar, with valine, which is neutral and non-polar, at codon 882 of the KIAA0586 protein (p.Ala882Val). This variant is not present in population databases (gnomAD no frequency). This variant has not been reported in the literature in individuals affected with KIAA0586-related conditions. Algorithms developed to predict the effect of missense changes on protein structure and function output the following: SIFT: "Tolerated"; PolyPhen-2: "Benign"; Align-GVGD: "Class C0". The valine amino acid residue is found in multiple mammalian species, which suggests that this missense change does not adversely affect protein function. In summary, the available evidence is currently insufficient to determine the role of this variant in disease. Therefore, it has been classified as a Variant of Uncertain Significance.

NM_001329943.3(KIAA0586):c.2486C>T (p.Ala829Val)

Gene: KIAA0586 (KIAA0586; plus strand). Cytogenetic location: 14q23.1.
Variant type: single nucleotide variant.
Coding change: c.2486C>T on transcript NM_001329943.3 (MANE Select); coding-DNA position 2486, C replaced by T.
Protein change: p.Ala829Val; replaces alanine 829 with valine.
Molecular consequence: missense variant.
Genome position (GRCh38, 1-based): chr14:58,470,656, C>T. VCF-style: chr14-58470656-C-T. GRCh37 (hg19) VCF-style: chr14-58937374-C-T.
Other names: c.2645C>T, p.Ala882Val (NM_001244189.2); c.2441C>T, p.Ala814Val (NM_001244190.2); c.2231C>T, p.Ala744Val (NM_001244191.2, NM_001329945.2, NM_001364700.1 and 1 more transcripts); c.2354C>T, p.Ala785Val (NM_001244192.2); c.2066C>T, p.Ala689Val (NM_001244193.2); c.2486C>T, p.Ala829Val (NM_001329944.2, NM_001329946.2, NM_001329947.2); c.2258C>T, p.Ala753Val (NM_014749.5); short protein forms A785V, A689V, A744V, A753V, A814V, A829V, A882V.
Identifiers: ClinVar variation 1392405 (VCV001392405.3), dbSNP rs200219991, ClinGen allele CA261639144.
Genomic context (GRCh38, chr14:58,470,656, plus strand): 5'-GTTGTATTCTGTTTTAGGTATTACCCAGTGTAGATATTGACAGCATTTCAAATAGTAGTG[C>T]TGATGTCCTTTCACCTCTGTCTAGCCCCAAAGAAGCATCTCTTCCTCCTGTGCAAACTTG-3'
Protein context (NP_001316872.1, residues 819-839): VDIDSISNSS[Ala829Val]DVLSPLSSPK